The following is an entry in ClinVar:

NM_000053.4(ATP7B):c.421C>T (p.Gln141Ter)

Gene: ATP7B (ATPase copper transporting beta; minus strand). Cytogenetic location: 13q14.3.
Variant type: single nucleotide variant.
Coding change: c.421C>T on transcript NM_000053.4 (MANE Select); coding-DNA position 421, C replaced by T.
Protein change: p.Gln141Ter; replaces glutamine 141 with a stop codon.
Molecular consequence: nonsense.
Genome position (GRCh38, 1-based): chr13:51,974,799, G>A on the plus strand (C>T on the coding strand, the complement: ATP7B is on the minus strand). VCF-style: chr13-51974799-G-A. GRCh37 (hg19) VCF-style: chr13-52548935-G-A.
Other names: c.421C>T (NM_000053.3); c.421C>T, p.Gln141Ter (NM_001005918.3, NM_001243182.2, NM_001330578.2 and 30 more transcripts); c.325C>T, p.Gln109Ter (NM_001406517.1, NM_001406518.1, NM_001406530.1 and 4 more transcripts); short protein forms Q109*, Q141*.
Identifiers: ClinVar variation 3075810 (VCV003075810.2), dbSNP rs1952025232, ClinGen allele CA388044054.

ClinVar aggregate classification (germline): Likely pathogenic. Review status: criteria provided, multiple submitters, no conflicts (2 of 4 stars). 2 submissions from 2 submitters: Likely pathogenic (2). Last evaluated 2024-05-13.

Conditions:
Wilson disease (WND). Also called: Wilson's disease. Identifiers: Orphanet 905, MedGen C0019202, MONDO:0010200, OMIM 277900. Disease mechanism: loss of function.

Allele frequency attached by ClinVar (database versions not stated): TOPMed below 0.00001.

Submissions (2):

Natera, Inc.
Classification: Likely pathogenic for Wilson disease. Last evaluated: 2024-05-13. Review status: criteria provided, single submitter. Criteria: Natera Variant Classification Schema (03/2026). Collection method: clinical testing. Allele origin: germline.
Comment: The c.421C>T variant in ATP7B is a nonsense variant predicted to introduce a stop codon at amino acid 141. This variant is expected to result in nonsense mediated decay, truncation, or a dysfunctional protein product. This variant is rare in the general population with a frequency below the threshold expected for the associated phenotype(s). Given the available evidence, this variant is classified as Likely Pathogenic.

Laboratory for Molecular Medicine, Mass General Brigham Personalized Medicine
Classification: Likely pathogenic for Wilson disease. Last evaluated: 2020-06-11. Review status: criteria provided, single submitter. Criteria: ACMG Guidelines, 2015. Collection method: clinical testing. Allele origin: germline.
Comment: The p.Gln141X variant in ATP7B has not been previously reported in individuals with Wilson disease and was absent from large population studies. This nonsense variant leads to a premature termination codon at position 141, which is predicted to lead to a truncated or absent protein. Loss of function of the ATP7B gene is an established disease mechanism in autosomal recessive Wilson disease. In summary, although additional studies are required to fully establish its clinical significance, this variant meets criteria to be classified as likely pathogenic for autosomal recessive Wilson disease. ACMG/AMP Criteria applied: PVS1, PM2.